The following is an entry in ClinVar:

NM_001277115.2(DNAH11):c.8567T>A (p.Val2856Asp)

Gene: DNAH11 (dynein axonemal heavy chain 11; plus strand). Cytogenetic location: 7p15.3.
Variant type: single nucleotide variant.
Coding change: c.8567T>A on transcript NM_001277115.2 (MANE Select); coding-DNA position 8567, T replaced by A.
Protein change: p.Val2856Asp; replaces valine 2856 with aspartic acid.
Molecular consequence: missense variant.
Genome position (GRCh38, 1-based): chr7:21,748,636, T>A. VCF-style: chr7-21748636-T-A. GRCh37 (hg19) VCF-style: chr7-21788254-T-A.
Other names: c.8588T>A, p.Val2863Asp (NM_003777.3); short protein forms V2856D, V2863D.
Identifiers: ClinVar variation 2571276 (VCV002571276.27), dbSNP rs754822442, ClinGen allele CA366955141.
Genomic context (GRCh38, chr7:21,748,636, plus strand): 5'-TCAGGTGTCGCATCAGCCGGATCTTACGAACCCCTCAGGGCTGTGCTCTCTTGGTTGGAG[T>A]TGGGGGCAGTGGCAAGCAGAGCTTGTCCAGGCTGGCAGCTTACCTTCGTGGCCTTGAGGT-3'
Protein context (NP_001264044.1, residues 2846-2866): TPQGCALLVG[Val2856Asp]GGSGKQSLSR

ClinVar aggregate classification (germline): Uncertain significance (1 of 4 stars; one submission).

Submission:

CeGaT Center for Human Genetics Tuebingen
Classification: Uncertain significance. Last evaluated: 2023-06-01. Review status: criteria provided, single submitter. Criteria: CeGaT Center For Human Genetics Tuebingen Variant Classification Criteria Version 2. Collection method: clinical testing. Allele origin: germline. Affected: yes. Observed: 1 variant allele.
Comment: DNAH11: PM2